The following is an entry in ClinVar:

ClinVar aggregate classification (germline): Uncertain significance (1 of 4 stars; one submission).

Allele frequency attached by ClinVar (database versions not stated): ESP Exome Variant Server 0.00008; gnomAD 0.00008 and 0.00011; TOPMed 0.00009; 1000 Genomes Project 30x 0.00047; 1000 Genomes Project 0.00060.
gnomAD v4.1: 392 of 1,613,948 alleles (0.024%); highest among the groups gnomAD compares: East Asian, 0.55%; 4 homozygotes.

Submission:

Labcorp Genetics (formerly Invitae), Labcorp
Classification: Uncertain significance. Last evaluated: 2025-04-21. Review status: criteria provided, single submitter. Criteria: Invitae Variant Classification Sherloc (09022015). Collection method: clinical testing. Allele origin: germline.
Comment: This sequence change replaces arginine, which is basic and polar, with tryptophan, which is neutral and slightly polar, at codon 445 of the TNK2 protein (p.Arg445Trp). This variant is present in population databases (rs141404332, gnomAD 0.2%), and has an allele count higher than expected for a pathogenic variant. This variant has not been reported in the literature in individuals affected with TNK2-related conditions. ClinVar contains an entry for this variant (Variation ID: 1487037). An algorithm developed to predict the effect of missense changes on protein structure and function (PolyPhen-2) suggests that this variant is likely to be disruptive. In summary, the available evidence is currently insufficient to determine the role of this variant in disease. Therefore, it has been classified as a Variant of Uncertain Significance.

NM_001382273.1(TNK2):c.1144C>T (p.Arg382Trp)

Gene: TNK2 (tyrosine kinase non receptor 2; minus strand). Cytogenetic location: 3q29.
Variant type: single nucleotide variant.
Coding change: c.1144C>T on transcript NM_001382273.1 (MANE Select); coding-DNA position 1144, C replaced by T.
Protein change: p.Arg382Trp; replaces arginine 382 with tryptophan.
Molecular consequence: missense variant. On other transcripts: non-coding transcript variant (15).
Genome position (GRCh38, 1-based): chr3:195,878,463, G>A on the plus strand (C>T on the coding strand, the complement: TNK2 is on the minus strand). VCF-style: chr3-195878463-G-A. GRCh37 (hg19) VCF-style: chr3-195605334-G-A.
Other names: c.1216C>T, p.Arg406Trp (NM_001010938.2, NM_001382272.1, NM_001387708.1 and 1 more transcripts); c.1240C>T, p.Arg414Trp (NM_001308046.2, NM_001382271.1, NM_001382275.1 and 1 more transcripts); c.1144C>T, p.Arg382Trp (NM_001382274.1, NM_001386164.1, NM_001387709.1 and 12 more transcripts); short protein forms R406W, R382W, R414W.
Identifiers: ClinVar variation 1487037 (VCV001487037.8), dbSNP rs141404332, ClinGen allele CA2776590.